The following is an entry in ClinVar:

ClinVar aggregate classification (germline): Uncertain significance (1 of 4 stars; one submission).

Conditions:
Atrial fibrillation, familial, 6 (ATFB6). Identifiers: MedGen C2677294, MONDO:0012816, OMIM 612201.

Allele frequency attached by ClinVar (database versions not stated): gnomAD exomes 0.00002; ExAC 0.00001; TOPMed 0.00001.
gnomAD v4.1: 37 of 1,614,102 alleles (0.0023%); highest among the groups gnomAD compares: Non-Finnish European, 0.003%; no homozygotes.

Submission:

Labcorp Genetics (formerly Invitae), Labcorp
Classification: Uncertain significance for Atrial fibrillation, familial, 6. Last evaluated: 2024-11-10. Review status: criteria provided, single submitter. Criteria: Invitae Variant Classification Sherloc (09022015). Collection method: clinical testing. Allele origin: germline.
Comment: This sequence change replaces leucine, which is neutral and non-polar, with tryptophan, which is neutral and slightly polar, at codon 47 of the NPPA protein (p.Leu47Trp). This variant is not present in population databases (gnomAD no frequency). This variant has not been reported in the literature in individuals affected with NPPA-related conditions. ClinVar contains an entry for this variant (Variation ID: 2731148). An algorithm developed to predict the effect of missense changes on protein structure and function (PolyPhen-2) suggests that this variant is likely to be disruptive. In summary, the available evidence is currently insufficient to determine the role of this variant in disease. Therefore, it has been classified as a Variant of Uncertain Significance.

NM_006172.4(NPPA):c.140T>G (p.Leu47Trp)

Genes: NPPA (natriuretic peptide A; minus strand), NPPA-AS1 (NPPA antisense RNA 1; plus strand), LOC114827827 (VISTA enhancer hs2123; plus strand). Cytogenetic location: 1p36.22.
Variant type: single nucleotide variant.
Coding change: c.140T>G on transcript NM_006172.4 (MANE Select); coding-DNA position 140, T replaced by G.
Protein change: p.Leu47Trp; replaces leucine 47 with tryptophan.
Molecular consequence: missense variant.
Genome position (GRCh38, 1-based): chr1:11,847,423, A>C on the plus strand (T>G on the coding strand, the complement: NPPA is on the minus strand). VCF-style: chr1-11847423-A-C. GRCh37 (hg19) VCF-style: chr1-11907480-A-C.
Other names: short protein forms L47W.
Identifiers: ClinVar variation 2731148 (VCV002731148.3), dbSNP rs762538922, ClinGen allele CA597077.